The following is an entry in ClinVar:

ClinVar aggregate classification (germline): Uncertain significance (1 of 4 stars; one submission).

gnomAD v4.1: 8 of 1,612,012 alleles (0.0005%); highest among the groups gnomAD compares: Non-Finnish European, 0.00068%; no homozygotes.

Submission:

Labcorp Genetics (formerly Invitae), Labcorp
Classification: Uncertain significance. Last evaluated: 2023-07-10. Review status: criteria provided, single submitter. Criteria: Invitae Variant Classification Sherloc (09022015). Collection method: clinical testing. Allele origin: germline.
Comment: ClinVar contains an entry for this variant (Variation ID: 1492810). This variant has not been reported in the literature in individuals affected with ACAN-related conditions. This variant is present in population databases (rs768518689, gnomAD 0.0009%). This sequence change replaces arginine, which is basic and polar, with leucine, which is neutral and non-polar, at codon 132 of the ACAN protein (p.Arg132Leu). Advanced modeling of protein sequence and biophysical properties (such as structural, functional, and spatial information, amino acid conservation, physicochemical variation, residue mobility, and thermodynamic stability) performed at Invitae indicates that this missense variant is not expected to disrupt ACAN protein function. In summary, the available evidence is currently insufficient to determine the role of this variant in disease. Therefore, it has been classified as a Variant of Uncertain Significance.

NM_001369268.1(ACAN):c.395G>T (p.Arg132Leu)

Gene: ACAN (aggrecan; plus strand). Cytogenetic location: 15q26.1.
Variant type: single nucleotide variant.
Coding change: c.395G>T on transcript NM_001369268.1 (MANE Select); coding-DNA position 395, G replaced by T.
Protein change: p.Arg132Leu; replaces arginine 132 with leucine.
Molecular consequence: missense variant.
Genome position (GRCh38, 1-based): chr15:88,838,987, G>T. VCF-style: chr15-88838987-G-T. GRCh37 (hg19) VCF-style: chr15-89382218-G-T.
Other names: c.395G>T, p.Arg132Leu (NM_001135.4, NM_013227.4); short protein forms R132L.
Identifiers: ClinVar variation 1492810 (VCV001492810.6), dbSNP rs768518689, ClinGen allele CA7719209.